The following is an entry in ClinVar:

NM_005267.5(GJA8):c.439C>T (p.Leu147=)

Gene: GJA8 (gap junction protein alpha 8; plus strand). Cytogenetic location: 1q21.2.
Variant type: single nucleotide variant.
Coding change: c.439C>T on transcript NM_005267.5 (MANE Select); coding-DNA position 439, C replaced by T.
Protein change: p.Leu147=; no amino-acid change (leucine 147 retained).
Molecular consequence: synonymous variant.
Genome position (GRCh38, 1-based): chr1:147,908,394, C>T. VCF-style: chr1-147908394-C-T. GRCh37 (hg19) VCF-style: chr1-147380521-C-T.
Identifiers: ClinVar variation 876079 (VCV000876079.11), dbSNP rs145974798, ClinGen allele CA1065948.

ClinVar aggregate classification (germline): Benign/Likely benign. Review status: criteria provided, multiple submitters, no conflicts (2 of 4 stars). 2 submissions from 2 submitters: Benign (1); Likely benign (1). Last evaluated 2025-09-28.

Conditions:
Cataract 1 multiple types. Also called: CATARACT, DUFFY-LINKED; CATARACT 1, MULTIPLE TYPES, WITH OR WITHOUT MICROCORNEA; CATARACT 1, NUCLEAR PROGRESSIVE; CATARACT 1 WITH MICROCORNEA; CATARACT 1, POSTERIOR SUBCAPSULAR, WITH MICROCORNEA; CATARACT 1, STELLATE NUCLEAR, WITH MICROCORNEA. Identifiers: Orphanet 1377, MedGen C1861828, MONDO:0007285, OMIM 116200.

Allele frequency attached by ClinVar (database versions not stated): 1000 Genomes Project 30x 0.00031; gnomAD 0.00036 and 0.00037; gnomAD exomes 0.00037; TOPMed 0.00038; 1000 Genomes Project 0.00040; ExAC 0.00040; ESP Exome Variant Server 0.00046.
gnomAD v4.1: 1,204 of 1,614,220 alleles (0.075%); highest among the groups gnomAD compares: Non-Finnish European, 0.096%; 1 homozygote.

Submissions (2):

Labcorp Genetics (formerly Invitae), Labcorp
Classification: Likely benign for Cataract 1 multiple types. Last evaluated: 2025-09-28. Review status: criteria provided, single submitter. Criteria: Invitae Variant Classification Sherloc (09022015). Collection method: clinical testing. Allele origin: germline.

Illumina Laboratory Services, Illumina
Classification: Benign for Cataract 1 multiple types. Last evaluated: 2018-01-12. Review status: criteria provided, single submitter. Criteria: ICSL Variant Classification Criteria 13 December 2019. Collection method: clinical testing. Allele origin: germline.
Comment: This variant was observed in the ICSL laboratory as part of a predisposition screen in an ostensibly healthy population. It had not been previously curated by ICSL or reported in the Human Gene Mutation Database (HGMD: prior to June 1st, 2018), and was therefore a candidate for classification through an automated scoring system. Utilizing variant allele frequency, disease prevalence and penetrance estimates, and inheritance mode, an automated score was calculated to assess if this variant is too frequent to cause the disease. Based on the score and internal cut-off values, a variant classified as benign is not then subjected to further curation. The score for this variant resulted in a classification of benign for this disease.